The following is an entry in ClinVar:

ClinVar aggregate classification (germline): Uncertain significance (1 of 4 stars; one submission).

Submission:

Athena Diagnostics
Classification: Uncertain significance. Last evaluated: 2023-07-10. Review status: criteria provided, single submitter. Criteria: Athena Diagnostics Criteria. Collection method: clinical testing. Allele origin: unknown.
Comment: Available data are insufficient to determine the clinical significance of the variant at this time. This variant has not been reported in large, multi-ethnic general populations. Computational tools disagree on the variant's effect on normal protein function.

NM_182961.4(SYNE1):c.7898T>G (p.Leu2633Arg)

Gene: SYNE1 (spectrin repeat containing nuclear envelope protein 1; minus strand). Cytogenetic location: 6q25.2.
Variant type: single nucleotide variant.
Coding change: c.7898T>G on transcript NM_182961.4 (MANE Select); coding-DNA position 7898, T replaced by G.
Protein change: p.Leu2633Arg; replaces leucine 2633 with arginine.
Molecular consequence: missense variant.
Genome position (GRCh38, 1-based): chr6:152,391,383, A>C on the plus strand (T>G on the coding strand, the complement: SYNE1 is on the minus strand). VCF-style: chr6-152391383-A-C. GRCh37 (hg19) VCF-style: chr6-152712518-A-C.
Other names: c.7919T>G, p.Leu2640Arg (NM_033071.5); short protein forms L2633R, L2640R.
Identifiers: ClinVar variation 2684061 (VCV002684061.1), dbSNP rs1397013566, ClinGen allele CA366108924.
Genomic context (GRCh38, chr6:152,391,383, plus strand): 5'-GTGCTCTCTGCACAGGCCAGTCTGTCCTGAATGGCCTTCACCCAGAACCACATGCTTTGC[A>C]GTGCTTCCTCCAGGGCTTCGTGCTCCTGAAGGGCCACCTGGCAGCTCCGGAGTTTCTCTT-3'
Protein context (NP_892006.3, residues 2623-2643): LQEHEALEEA[Leu2633Arg]QSMWFWVKAI